The following is an entry in ClinVar:

NM_024312.5(GNPTAB):c.1959_1962del (p.Ser654fs)

Gene: GNPTAB (N-acetylglucosamine-1-phosphate transferase subunits alpha and beta; minus strand). Cytogenetic location: 12q23.2.
Variant type: Microsatellite.
Coding change: c.1959_1962del on transcript NM_024312.5 (MANE Select); coding-DNA positions 1959 to 1962, 4 bases deleted (TAGT; older notation c.1959_1962delTAGT).
Protein change: p.Ser654fs; shifts the reading frame from serine 654.
Molecular consequence: frameshift variant.
Genome position (GRCh38, 1-based): chr12:101,764,955-101,764,958, ACTA deleted on the plus strand (TAGT on the coding strand, the reverse complement: GNPTAB is on the minus strand); deleting any 4 consecutive bases within chr12:101,764,955-101,764,963 gives the same sequence; the c. name uses the placement nearest the transcript's 3' end. VCF-style (leftmost placement, unchanged base first): chr12-101764954-GACTA-G. GRCh37 (hg19) VCF-style: chr12-102158732-GACTA-G.
Other names: c.1959_1962delTAGT (NM_024312.5); short protein forms S654fs.
Identifiers: ClinVar variation 39041 (VCV000039041.34), dbSNP rs281864983, ClinGen allele CA343360.
Genomic context (GRCh38, chr12:101,764,954, plus strand): 5'-AGCGTTTTTCTTTGGGAATATCCTCAAAAAGGATTTCCGCCTCTGGAAGAAGTGTTATGG[GACTA>G]ACTAAATTTTCGTAACCCTTCTGGGCTGTAGAATTCAGTTTTGGTCCCTCCCTTGTGTCC-3'

ClinVar aggregate classification (germline): Pathogenic. Review status: criteria provided, multiple submitters, no conflicts (2 of 4 stars). 7 submissions from 7 submitters: Pathogenic (5). 2 of the submissions do not count toward it. Last evaluated 2026-01-23.

Conditions:
GNPTAB-Related Disorders. Also called: GNPTAB-related disorder; GNPTAB-related condition. Identifiers: MedGen CN381523.
Mucolipidosis. Also called: Mucolipidoses. Identifiers: Orphanet 79212, MedGen C0026697, MONDO:0019248.
Mucolipidosis type II. Also called: Mucolipidosis 2; ML 2; Inclusion cell disease; Leroy Disease; N-acetylglucosamine 1phosphotransferase deficiency; ML disorder type 2. Identifiers: Orphanet 576, MedGen C2673377, MONDO:0009650, OMIM 252500.
Pseudo-Hurler polydystrophy. Also called: Type III Mucolipidosis; ML IIIA; Mucolipidosis III Alpha/Beta; MUCOLIPIDOSIS IIIA; ML III; ML III ALPHA/BETA. Identifiers: Orphanet 423461, Orphanet 577, MedGen C0033788, MONDO:0018931, OMIM 252600.
Abnormality of metabolism/homeostasis. Identifiers: MedGen C4021768, HP:0001939.

Submissions (7):

Natera, Inc.
Classification: Pathogenic for Mucolipidosis type II. Last evaluated: 2026-01-23. Review status: criteria provided, single submitter. Criteria: Natera Variant Classification Schema (03/2026). Collection method: clinical testing. Allele origin: germline.
Comment: The c.1959_1962delTAGT variant in GNPTAB is a frameshift variant predicted to shift the reading frame beginning at codon 654 and leads to a stop codon 2 codons downstream. This variant is expected to result in nonsense mediated decay, truncation, or a dysfunctional protein product. This variant is rare in the general population with a frequency below the threshold expected for the associated phenotype(s). This variant has been observed in one or more individuals affected with the associated recessive disease, as either homozygous or compound heterozygous with a second variant (PMID: 19617216, 19634183). Given the available evidence, this variant is classified as Pathogenic.

Women's Health and Genetics/Laboratory Corporation of America, LabCorp
Classification: Pathogenic for Mucolipidosis. Last evaluated: 2024-11-18. Review status: criteria provided, single submitter. Criteria: LabCorp Variant Classification Summary - May 2015. Collection method: clinical testing. Allele origin: germline.
Comment: Variant summary: GNPTAB c.1959_1962delTAGT (p.Ser654ProfsX2) results in a premature termination codon, predicted to cause a truncation of the encoded protein or absence of the protein due to nonsense mediated decay, which are commonly known mechanisms for disease. The variant allele was found at a frequency of 1.2e-05 in 251414 control chromosomes (gnomAD). c.1959_1962delTAGT has been reported in the literature in at least an individual affected with GNPTAB-related conditions (example: Cathey_2010). The following publication have been ascertained in the context of this evaluation (PMID: 19617216). ClinVar contains an entry for this variant (Variation ID: 39041). Based on the evidence outlined above, the variant was classified as pathogenic.

Daryl Scott Lab, Baylor College of Medicine
Classification: Pathogenic for GNPTAB-related disorder. Last evaluated: 2023-11-10. Review status: criteria provided, single submitter. Criteria: ACMG Guidelines, 2015. Collection method: clinical testing. Allele origin: biparental. Affected: yes.

Labcorp Genetics (formerly Invitae), Labcorp
Classification: Pathogenic for Pseudo-Hurler polydystrophy; Mucolipidosis type II. Last evaluated: 2022-08-22. Review status: criteria provided, single submitter. Criteria: Invitae Variant Classification Sherloc (09022015). Collection method: clinical testing. Allele origin: germline.
Comment: This variant is present in population databases (rs281864983, gnomAD 0.003%). For these reasons, this variant has been classified as Pathogenic. ClinVar contains an entry for this variant (Variation ID: 39041). This premature translational stop signal has been observed in individual(s) with mucolipidosis (PMID: 19634183). This sequence change creates a premature translational stop signal (p.Ser654Profs*2) in the GNPTAB gene. It is expected to result in an absent or disrupted protein product. Loss-of-function variants in GNPTAB are known to be pathogenic (PMID: 19617216, 25107912).

Kariminejad - Najmabadi Pathology & Genetics Center
Classification: Pathogenic for Abnormality of metabolism/homeostasis. Last evaluated: 2021-07-10. Review status: criteria provided, single submitter. Criteria: ACMG Guidelines, 2015. Collection method: clinical testing. Allele origin: germline. Affected: yes.

Counsyl
Classification: Pathogenic for Mucolipidosis type II; Pseudo-Hurler polydystrophy. Last evaluated: 2017-09-19. Review status: no assertion criteria provided. Collection method: clinical testing. Allele origin: unknown. Not counted in ClinVar's aggregate classification.

GeneReviews
No classification provided. Condition: Mucolipidosis type II. Review status: no classification provided. Collection method: literature only. Allele origin: unknown. Not counted in ClinVar's aggregate classification.

Literature cited by the submitters: PubMed 19617216 (cited by 4 submitters); PubMed 19634183 (cited by 4 submitters); PubMed 25107912 (cited by Labcorp Genetics (formerly Invitae), Labcorp); PubMed 20301728 (cited by GeneReviews); NCBI Bookshelf NBK1828 (cited by GeneReviews).